The following is an entry in ClinVar:

ClinVar aggregate classification (germline): Uncertain significance (1 of 4 stars; one submission).

Conditions:
Hereditary cancer-predisposing syndrome. Also called: Hereditary Cancer Syndrome; Hereditary neoplastic syndrome; Neoplastic Syndromes, Hereditary; Tumor predisposition. Identifiers: Orphanet 140162, MedGen C0027672, MeSH D009386, MONDO:0015356.

Submission:

Ambry Genetics
Classification: Uncertain significance for Hereditary cancer-predisposing syndrome. Last evaluated: 2021-03-19. Review status: criteria provided, single submitter. Criteria: Ambry Variant Classification Scheme 2023. Collection method: clinical testing. Allele origin: germline.
Comment: The p.S144N variant (also known as c.431G>A), located in coding exon 2 of the MSH6 gene, results from a G to A substitution at nucleotide position 431. The serine at codon 144 is replaced by asparagine, an amino acid with highly similar properties. This amino acid position is not well conserved in available vertebrate species. In addition, this alteration is predicted to be tolerated by in silico analysis. Since supporting evidence is limited at this time, the clinical significance of this alteration remains unclear.

Literature cited by the submitters: PubMed 29245953.

NM_000179.3(MSH6):c.431G>A (p.Ser144Asn)

Gene: MSH6 (mutS homolog 6; plus strand). Cytogenetic location: 2p16.3.
Variant type: single nucleotide variant.
Coding change: c.431G>A on transcript NM_000179.3 (MANE Select); coding-DNA position 431, G replaced by A.
Protein change: p.Ser144Asn; replaces serine 144 with asparagine.
Molecular consequence: missense variant. On other transcripts: 5 prime UTR variant (2), intron variant (1).
Genome position (GRCh38, 1-based): chr2:47,791,097, G>A. VCF-style: chr2-47791097-G-A. GRCh37 (hg19) VCF-style: chr2-48018236-G-A.
Other names: c.-306G>A (NM_001281493.2, NM_001406811.1, NM_001406823.1 and 1 more transcripts); c.-472G>A (NM_001281494.2); c.527G>A, p.Ser176Asn (NM_001406795.1, NM_001406802.1); c.431G>A, p.Ser144Asn (NM_001406796.1, NM_001406798.1, NM_001406800.1 and 6 more transcripts); c.134G>A, p.Ser45Asn (NM_001406797.1, NM_001406801.1, NM_001406805.1 and 10 more transcripts); c.353G>A, p.Ser118Asn (NM_001406804.1); c.-498G>A (NM_001406807.1); c.-564G>A (NM_001406814.1); and 2 more; short protein forms S118N, S176N, S88N, S144N, S45N.
Identifiers: ClinVar variation 1739689 (VCV001739689.2), dbSNP rs3211299, ClinGen allele CA346737156.